The following is an entry in ClinVar:

NM_177438.3(DICER1):c.1907+1G>A

Gene: DICER1 (dicer 1, ribonuclease III; minus strand). Cytogenetic location: 14q32.13.
Variant type: single nucleotide variant.
Coding change: c.1907+1G>A on transcript NM_177438.3 (MANE Select); the canonical splice donor site of the intron after coding-DNA position 1907, G replaced by A.
Molecular consequence: splice donor variant.
Genome position (GRCh38, 1-based): chr14:95,115,666, C>T on the plus strand (G>A on the coding strand, the complement: DICER1 is on the minus strand). VCF-style: chr14-95115666-C-T. GRCh37 (hg19) VCF-style: chr14-95582003-C-T.
Other names: NM_030621.4(DICER1):c.1907+1G>A; c.1907+1G>A (NM_001291628.2, NM_030621.4, NM_001395677.1 and 12 more transcripts); c.1502+1G>A (NM_001395690.1, NM_001395687.1, NM_001395689.1 and 3 more transcripts); c.1625+1G>A (NM_001395686.1); c.1340+1G>A (NM_001395691.1); c.224+1G>A (NM_001395697.1).
Identifiers: ClinVar variation 429148 (VCV000429148.16), dbSNP rs1131691217, ClinGen allele CA390883876.

ClinVar aggregate classification (germline): Pathogenic. Review status: reviewed by expert panel (3 of 4 stars). 4 submissions from 4 submitters: Pathogenic (1). 3 of the submissions do not count toward it. Last evaluated 2022-05-18.

Conditions:
Hereditary cancer-predisposing syndrome. Also called: Hereditary neoplastic syndrome; Tumor predisposition; Neoplastic Syndromes, Hereditary; Hereditary Cancer Syndrome. Identifiers: Orphanet 140162, MedGen C0027672, MeSH D009386, MONDO:0015356.
DICER1-related tumor predisposition. Also called: DICER1-related pleuropulmonary blastoma cancer predisposition syndrome; DICER1 syndrome. Identifiers: Orphanet 284343, MedGen C3839822, MONDO:0100216.

Submissions (4):

ClinGen DICER1 and miRNA-Processing Gene Variant Curation Expert Panel, ClinGen
Classification: Pathogenic for DICER1-related tumor predisposition. Last evaluated: 2022-05-18. Review status: reviewed by expert panel. Criteria: ClinGen DICER1 ACMG Specifications DICER1 v1. Collection method: curation. Allele origin: germline. Inheritance: Autosomal dominant inheritance.
Comment: The NM_177438.2:c.1907+1G>A variant in DICER1 is an intronic variant results from a G to A substitution one nucleotide after coding exon 10 of the DICER1 gene which affects a donor splice site in intron 11 of the DICER1 gene. This variant destroys the canonical splice donor site at intron 11 and the adjacent exon 11 is out of frame. Donor and acceptor splice site variants typically lead to a loss of protein function. Alterations that disrupt the canonical splice site are expected to cause aberrant splicing, resulting in an abnormal protein or a transcript that is subject to nonsense-mediated decay in a gene in which loss-of-function is an established disease mechanism (PVS1; PMID: 16199547). This variant received a total of 1 phenotype point across 1 individual meeting DICER1 VCEP phenotype specificity scoring criteria of 1-1.5 points (PS4_Supporting; Internal contributors: NCI; GTRs: 61756, 26957). This variant is absent from gnomAD non-cancer datasets v2.1.1 and v3.1.1 (PM2_Supporting). In summary, this variant meets the criteria to be classified as Pathogenic for DICER1 syndrome based on the ACMG/AMP criteria applied, as specified by the ClinGen DICER1 VCEP: PVS1, PS4_supporting;,PM6 PM2_supporting. (Bayesian Points: 12; VCEP specifications version 1; 02/11/2022)

Ambry Genetics
Classification: Pathogenic for Hereditary cancer-predisposing syndrome. Last evaluated: 2024-11-05. Review status: criteria provided, single submitter. Criteria: Ambry Variant Classification Scheme 2023. Collection method: clinical testing. Allele origin: germline. Not counted in ClinVar's aggregate classification.
Comment: The c.1907+1G>A pathogenic mutation results from a G to A substitution one nucleotide after coding exon 10 of the DICER1 gene. This variant is considered to be rare based on population cohorts in the Genome Aggregation Database (gnomAD). Alterations that disrupt the canonical splice site are expected to cause aberrant splicing, resulting in an abnormal protein or a transcript that is subject to nonsense-mediated mRNA decay. As such, this alteration is classified as a disease-causing mutation.

Labcorp Genetics (formerly Invitae), Labcorp
Classification: Pathogenic for DICER1-related tumor predisposition. Last evaluated: 2024-04-30. Review status: criteria provided, single submitter. Criteria: Invitae Variant Classification Sherloc (09022015). Collection method: clinical testing. Allele origin: germline. Not counted in ClinVar's aggregate classification.
Comment: This sequence change affects a donor splice site in intron 11 of the DICER1 gene. It is expected to disrupt RNA splicing. Variants that disrupt the donor or acceptor splice site typically lead to a loss of protein function (PMID: 16199547), and loss-of-function variants in DICER1 are known to be pathogenic (PMID: 19556464, 21266384). This variant is not present in population databases (gnomAD no frequency). Disruption of this splice site has been observed in individual(s) with DICER1-related phenotypes (Invitae; External communication). In at least one individual the variant was observed to be de novo. ClinVar contains an entry for this variant (Variation ID: 429148). Algorithms developed to predict the effect of sequence changes on RNA splicing suggest that this variant may disrupt the consensus splice site. For these reasons, this variant has been classified as Pathogenic.

PreventionGenetics, part of Exact Sciences
Classification: Likely pathogenic. Last evaluated: 2019-04-08. Review status: criteria provided, single submitter. Criteria: ACMG Guidelines, 2015. Collection method: clinical testing. Allele origin: germline. Not counted in ClinVar's aggregate classification.

Literature cited by the submitters: PubMed 16199547 (cited by Labcorp Genetics (formerly Invitae), Labcorp); PubMed 19556464 (cited by Labcorp Genetics (formerly Invitae), Labcorp); PubMed 21266384 (cited by Labcorp Genetics (formerly Invitae), Labcorp).